The following is an entry in ClinVar:

ClinVar aggregate classification (germline): Likely pathogenic. Review status: criteria provided, multiple submitters, no conflicts (2 of 4 stars). 2 submissions from 2 submitters: Likely pathogenic (2). Last evaluated 2026-03-06.

Conditions:
Cardiovascular phenotype. Identifiers: MedGen CN230736.

Submissions (2):

Ambry Genetics
Classification: Likely pathogenic for Cardiovascular phenotype. Last evaluated: 2026-03-06. Review status: criteria provided, single submitter. Criteria: Ambry Variant Classification Scheme 2023. Collection method: clinical testing. Allele origin: germline.
Comment: The c.3255delG variant, located in coding exon 14 of the KCNH2 gene, results from a deletion of one nucleotide at nucleotide position 3255, causing a translational frameshift with a predicted alternate stop codon (p.P1086Lfs*169). This variant occurs at the 3' terminus of thegene, is not expected to trigger nonsense-mediated mRNAdecay, and results in the elongation of the protein by 94 amino acids. This frameshift impacts the last 6% of the native protein. However, frameshifts are typically deleterious in nature, and the impacted region is critical for protein function and affects a significant portion of the protein (Ambry internal data). This variant was reported in individual(s) with features consistent with long QT syndrome (external communication). This variant is considered to be rare based on population cohorts in the Genome Aggregation Database (gnomAD). Based on the majority of available evidence to date, this variant is likely to be pathogenic.

GeneDx
Classification: Likely pathogenic. Last evaluated: 2017-04-28. Review status: criteria provided, single submitter. Criteria: GeneDx Variant Classification (06012015). Collection method: clinical testing. Allele origin: germline. Affected: yes.
Comment: Although the c.3255delG likely pathogenic variant in the KCNH2 gene has not been reported to our knowledge, this variant causes a shift in reading frame starting at codon Proline 1086, changing it to a Leucine, and creating a premature stop codon at position 169 of the new reading frame, denoted p.Pro1086LeufsX169. This likely pathogenic variant is expected to result in the loss of the last 74 amino acids of the KCNH2 protein which are replaced by an abnormal sequence of 168 new amino acids. Other frameshift variants in the KCNH2 gene have been reported in HGMD in association with LQTS, including a frameshift variant at the same nucleotide (c.3255dupG) as well as several downstream frameshift variants (Stenson et al., 2014). Furthermore, the c.3255delG deletion was not observed in approximately 6,500 individuals of European and African American ancestry in the NHLBI Exome Sequencing Project, indicating it is not a common benign variant in these populations. Based on currently available evidence, c.3255delG is a strong candidate for a pathogenic variant. However, the possibility it is a rare benign variant cannot be excluded.

NM_000238.4(KCNH2):c.3255del (p.Pro1086fs)

Gene: KCNH2 (potassium voltage-gated channel subfamily H member 2; minus strand). Cytogenetic location: 7q36.1.
Variant type: Deletion.
Coding change: c.3255del on transcript NM_000238.4 (MANE Select); coding-DNA position 3255, one base deleted (G; older notation c.3255delG).
Protein change: p.Pro1086fs; shifts the reading frame from proline 1086.
Molecular consequence: frameshift variant.
Genome position (GRCh38, 1-based): chr7:150,946,952, C deleted on the plus strand (G on the coding strand, the reverse complement: KCNH2 is on the minus strand); the first of 4 consecutive C bases (chr7:150,946,952-150,946,955); deleting any one gives the same sequence. VCF-style (leftmost placement, unchanged base first): chr7-150946951-GC-G. GRCh37 (hg19) VCF-style: chr7-150644039-GC-G.
Other names: c.2235del, p.Pro746fs (NM_172057.3); c.3255delG (NM_000238.3); short protein forms P1086fs, P746fs.
Identifiers: ClinVar variation 422553 (VCV000422553.4), dbSNP rs1064795855, ClinGen allele CA16618396.